The following is an entry in ClinVar:

NM_020853.2(FAM234B):c.717G>A (p.Thr239=)

Gene: FAM234B (family with sequence similarity 234 member B; plus strand). Cytogenetic location: 12p13.1.
Variant type: single nucleotide variant.
Coding change: c.717G>A on transcript NM_020853.2 (MANE Select); coding-DNA position 717, G replaced by A.
Protein change: p.Thr239=; no amino-acid change (threonine 239 retained).
Molecular consequence: synonymous variant.
Genome position (GRCh38, 1-based): chr12:13,061,759, G>A. VCF-style: chr12-13061759-G-A. GRCh37 (hg19) VCF-style: chr12-13214693-G-A.
Identifiers: ClinVar variation 3033767 (VCV003033767.2), dbSNP rs139738564, ClinGen allele CA6459586.
Genomic context (GRCh38, chr12:13,061,759, plus strand): 5'-GGCTGAAACCATCTGCCTTGTGACAGGGACACACAAGATGCTCAGCGCATTCAATGCAAC[G>A]TCAGGTAAATACCATTTACCACAAAAGAACTTTGCTCCTACGAGCCATACTTTTGGATTA-3'
Protein context (NP_065904.1, residues 229-249): THKMLSAFNA[Thr239=]SGKAIWTLNP

ClinVar aggregate classification (germline): Likely benign (0 of 4 stars; one submission).

Conditions:
FAM234B-related disorder. Also called: FAM234B-related condition.

Allele frequency attached by ClinVar (database versions not stated): gnomAD exomes 0.00016; 1000 Genomes Project 0.00140; 1000 Genomes Project 30x 0.00141; ESP Exome Variant Server 0.00146; ExAC 0.00048; TOPMed 0.00080; gnomAD 0.00082.
gnomAD v4.1: 359 of 1,613,488 alleles (0.022%); highest among the groups gnomAD compares: African/African-American, 0.27%; no homozygotes.

Submission:

PreventionGenetics, part of Exact Sciences
Classification: Likely benign for FAM234B-related condition. Last evaluated: 2019-06-18. Review status: no assertion criteria provided. Collection method: clinical testing. Allele origin: germline.
Comment: This variant is classified as likely benign based on ACMG/AMP sequence variant interpretation guidelines (Richards et al. 2015 PMID: 25741868, with internal and published modifications).